The following is an entry in ClinVar:

NM_000440.3(PDE6A):c.221_224del (p.Thr74fs)

Gene: PDE6A (phosphodiesterase 6A; minus strand). Cytogenetic location: 5q32.
Variant type: Microsatellite.
Coding change: c.221_224del on transcript NM_000440.3 (MANE Select); coding-DNA positions 221 to 224, 4 bases deleted (CAGA; older notation c.221_224delCAGA).
Protein change: p.Thr74fs; shifts the reading frame from threonine 74.
Molecular consequence: frameshift variant.
Genome position (GRCh38, 1-based): chr5:149,944,450-149,944,453, TCTG deleted on the plus strand (CAGA on the coding strand, the reverse complement: PDE6A is on the minus strand); deleting any 4 consecutive bases within chr5:149,944,450-149,944,458 gives the same sequence; the c. name uses the placement nearest the transcript's 3' end. VCF-style (leftmost placement, unchanged base first): chr5-149944449-CTCTG-C. GRCh37 (hg19) VCF-style: chr5-149324012-CTCTG-C.
Other names: c.216_219ACAG[1], p.Thr74Argfs (NM_001410788.1); short protein forms T74fs.
Identifiers: ClinVar variation 1995557 (VCV001995557.5), dbSNP rs777523100, ClinGen allele CA3505109.
Genomic context (GRCh38, chr5:149,944,449, plus strand): 5'-GCTCATGCGGTCTGCCTGCAGGAGGAAGCACAGCTTCTTCATGACATTGAAGATGCATTT[CTCTG>C]TCTGTAAATTCTCCTGAAAGTCCCGCAGGAGATCAAAGATGATTTCGCTCTCCTCCATGC-3'

ClinVar aggregate classification (germline): Pathogenic/Likely pathogenic. Review status: criteria provided, multiple submitters, no conflicts (2 of 4 stars). 2 submissions from 2 submitters: Pathogenic (1); Likely pathogenic (1). Last evaluated 2022-11-08.

Conditions:
PDE6A-related disorder. Also called: PDE6A-related condition.

Submissions (2):

Labcorp Genetics (formerly Invitae), Labcorp
Classification: Pathogenic. Last evaluated: 2022-11-08. Review status: criteria provided, single submitter. Criteria: Invitae Variant Classification Sherloc (09022015). Collection method: clinical testing. Allele origin: germline.
Comment: For these reasons, this variant has been classified as Pathogenic. This variant is present in population databases (rs777523100, gnomAD 0.0009%). This sequence change creates a premature translational stop signal (p.Thr74Argfs*8) in the PDE6A gene. It is expected to result in an absent or disrupted protein product. Loss-of-function variants in PDE6A are known to be pathogenic (PMID: 7493036, 22128245, 23847139). This variant has not been reported in the literature in individuals affected with PDE6A-related conditions.

Blueprint Genetics
Classification: Likely pathogenic for PDE6A-related disorders. Last evaluated: 2020-08-18. Review status: criteria provided, single submitter. Criteria: ACMG Guidelines, 2015. Collection method: clinical testing. Allele origin: germline. Affected: yes. Observed: 1 variant allele.

Literature cited by the submitters: PubMed 7493036 (cited by Labcorp Genetics (formerly Invitae), Labcorp); PubMed 22128245 (cited by Labcorp Genetics (formerly Invitae), Labcorp); PubMed 23847139 (cited by Labcorp Genetics (formerly Invitae), Labcorp).